The following is an entry in ClinVar:

ClinVar aggregate classification (germline): Uncertain significance. Review status: criteria provided, multiple submitters, no conflicts (2 of 4 stars). 3 submissions from 3 submitters: Uncertain significance (3). Last evaluated 2026-05-18.

Conditions:
Polycystic kidney disease, adult type (PKD1). Also called: POLYCYSTIC KIDNEY DISEASE, ADULT, TYPE I; POLYCYSTIC KIDNEY DISEASE 1 WITH OR WITHOUT POLYCYSTIC LIVER DISEASE; Polycystic Kidney Disease 1, Autosomal Dominant; Polycystic kidney disease 1; Polycystic kidney disease 1, severe; Polycystic Kidney, Autosomal Dominant. Identifiers: MedGen C3149841, MONDO:0008263, OMIM 173900.

Submissions (3):

MVZ Medizinische Genetik Mainz
Classification: Uncertain significance for Polycystic kidney disease, adult type. Last evaluated: 2026-05-18. Review status: criteria provided, single submitter. Criteria: UK Practice Guidelines For Variant Classification V4 01 2020. Collection method: clinical testing. Allele origin: germline. Inheritance: Autosomal dominant inheritance. Affected: yes. Observed: 1 variant allele.
Comment: ACMG Criteria: PM2_SUP,PP4

Victorian Clinical Genetics Services, Murdoch Childrens Research Institute
Classification: Uncertain significance for Polycystic kidney disease, adult type. Last evaluated: 2026-05-14. Review status: criteria provided, single submitter. Criteria: ACMG Guidelines, 2015. Collection method: clinical testing. Allele origin: germline. Affected: yes.
Comment: This variant is classified as VUS-3B. Evidence in support of pathogenic classification: Variant is absent from gnomAD (v2, v3 and v4). Additional information: Variant is predicted to result in a missense amino acid change from Leu to Pro; This variant is heterozygous; This gene is associated with autosomal dominant disease. Polycystic kidney disease 1 (MIM#173900) is predominantly caused by monoallelic variants, with rare reports of biallelic variants causing disease (OMIM); Previous evidence of pathogenicity for this variant is inconclusive. This variant has been observed in a heterozygous individual; however, no clinical details were available (DECIPHER). This variant has also been reported in the literature in a PKD cohort study (PMID: 26823553); No published evidence of segregation with disease has been identified for this variant; No published functional evidence has been identified for this variant; No comparable missense variants have previous evidence for pathogenicity; Variant is located in the annotated PKD domain (DECIPHER). - Missense variant with inconclusive in silico prediction and/or uninformative conservation; Loss of function is a known mechanism of disease in this gene and is associated with polycystic kidney disease 1 (MIM#173900); Inheritance information for this variant is not currently available in this individual.

GeneDx
Classification: Uncertain significance. Last evaluated: 2026-01-30. Review status: criteria provided, single submitter. Criteria: GeneDx Variant Classification Process June 2021. Collection method: clinical testing. Allele origin: germline.
Comment: Not observed at significant frequency in large population cohorts (gnomAD); In silico analysis suggests that this missense variant does not alter protein structure/function; Has not been previously published as pathogenic or benign to our knowledge

Literature cited by the submitters: PubMed 26823553 (cited by Victorian Clinical Genetics Services, Murdoch Childrens Research Institute).

NM_001009944.3(PKD1):c.4496T>C (p.Leu1499Pro)

Gene: PKD1 (polycystin 1, transient receptor potential channel interacting; minus strand). Cytogenetic location: 16p13.3.
Variant type: single nucleotide variant.
Coding change: c.4496T>C on transcript NM_001009944.3 (MANE Select); coding-DNA position 4496, T replaced by C.
Protein change: p.Leu1499Pro; replaces leucine 1499 with proline.
Molecular consequence: missense variant.
Genome position (GRCh38, 1-based): chr16:2,110,671, A>G on the plus strand (T>C on the coding strand, the complement: PKD1 is on the minus strand). VCF-style: chr16-2110671-A-G. GRCh37 (hg19) VCF-style: chr16-2160672-A-G.
Other names: c.4496T>C, p.Leu1499Pro (NM_000296.4); short protein forms L1499P.
Identifiers: ClinVar variation 4857288 (VCV004857288.3).